The following is an entry in ClinVar:

ClinVar aggregate classification (germline): Uncertain significance. Review status: criteria provided, multiple submitters, no conflicts (2 of 4 stars). 3 submissions from 3 submitters: Uncertain significance (3). Last evaluated 2025-02-25.

Conditions:
Ehlers-Danlos syndrome (EDS). Identifiers: Orphanet 98249, MedGen C0013720, MONDO:0020066.
Ehlers-Danlos syndrome, classic type, 1 (EDSCL1). Also called: EDS I; Ehlers-Danlos syndrome, type 1; EHLERS-DANLOS SYNDROME, GRAVIS TYPE; EHLERS-DANLOS SYNDROME, SEVERE CLASSIC TYPE; Ehlers-Danlos Syndrome, Classic Type, COL5A1-Related. Identifiers: MedGen C0268335, MONDO:0019567, OMIM 130000.
Osteogenesis imperfecta type I (OI1). Also called: Osteogenesis imperfecta type 1; Lobstein's Disease; OI, TYPE I; OSTEOGENESIS IMPERFECTA TARDA; OSTEOGENESIS IMPERFECTA WITH BLUE SCLERAE; Lobstein disease. Identifiers: Orphanet 216796, Orphanet 666, MedGen C0023931, MONDO:0008146, OMIM 166200. Disease mechanism: loss of function.
Cardiovascular phenotype. Identifiers: MedGen CN230736.

Allele frequency attached by ClinVar (database versions not stated): gnomAD 0.00001 and 0.00002; gnomAD exomes 0.00005 and below 0.00001.
gnomAD v4.1: 70 of 1,598,390 alleles (0.0044%); highest among the groups gnomAD compares: Non-Finnish European, 0.0055%; no homozygotes.

Submissions (3):

Labcorp Genetics (formerly Invitae), Labcorp
Classification: Uncertain significance for Osteogenesis imperfecta type I; Ehlers-Danlos syndrome, classic type, 1. Last evaluated: 2025-02-25. Review status: criteria provided, single submitter. Criteria: Invitae Variant Classification Sherloc (09022015). Collection method: clinical testing. Allele origin: germline.
Comment: This sequence change replaces arginine, which is basic and polar, with cysteine, which is neutral and slightly polar, at codon 423 of the COL1A2 protein (p.Arg423Cys). The frequency data for this variant in the population databases is considered unreliable, as metrics indicate poor data quality at this position in the gnomAD database. This variant has not been reported in the literature in individuals affected with COL1A2-related conditions. ClinVar contains an entry for this variant (Variation ID: 1702186). Invitae Evidence Modeling of protein sequence and biophysical properties (such as structural, functional, and spatial information, amino acid conservation, physicochemical variation, residue mobility, and thermodynamic stability) indicates that this missense variant is expected to disrupt COL1A2 protein function with a positive predictive value of 95%. In summary, the available evidence is currently insufficient to determine the role of this variant in disease. Therefore, it has been classified as a Variant of Uncertain Significance.

Ambry Genetics
Classification: Uncertain significance for Cardiovascular phenotype. Last evaluated: 2024-01-29. Review status: criteria provided, single submitter. Criteria: Ambry Variant Classification Scheme 2023. Collection method: clinical testing. Allele origin: germline.
Comment: The p.R423C variant (also known as c.1267C>T), located in coding exon 23 of the COL1A2 gene, results from a C to T substitution at nucleotide position 1267. The arginine at codon 423 is replaced by cysteine, an amino acid with highly dissimilar properties. This amino acid position is highly conserved in available vertebrate species. In addition, this alteration is predicted to be deleterious by in silico analysis. Based on the available evidence, the clinical significance of this alteration remains unclear.

Genome Diagnostics Laboratory, The Hospital for Sick Children
Classification: Uncertain significance for Ehlers-Danlos syndrome. Last evaluated: 2019-12-01. Review status: criteria provided, single submitter. Criteria: ACMG Guidelines, 2015. Collection method: clinical testing. Allele origin: germline.

NM_000089.4(COL1A2):c.1267C>T (p.Arg423Cys)

Gene: COL1A2 (collagen type I alpha 2 chain; plus strand). Cytogenetic location: 7q21.3.
Variant type: single nucleotide variant.
Coding change: c.1267C>T on transcript NM_000089.4 (MANE Select); coding-DNA position 1267, C replaced by T.
Protein change: p.Arg423Cys; replaces arginine 423 with cysteine.
Molecular consequence: missense variant.
Genome position (GRCh38, 1-based): chr7:94,411,071, C>T. VCF-style: chr7-94411071-C-T. GRCh37 (hg19) VCF-style: chr7-94040383-C-T.
Other names: short protein forms R423C.
Identifiers: ClinVar variation 1702186 (VCV001702186.7), dbSNP rs1270445631, ClinGen allele CA368221509.